The following is an entry in ClinVar:

NM_000377.3(WAS):c.1174C>A (p.Pro392Thr)

Gene: WAS (WASP actin nucleation promoting factor; plus strand). Cytogenetic location: Xp11.23.
Variant type: single nucleotide variant.
Coding change: c.1174C>A on transcript NM_000377.3 (MANE Select); coding-DNA position 1174, C replaced by A.
Protein change: p.Pro392Thr; replaces proline 392 with threonine.
Molecular consequence: missense variant.
Genome position (GRCh38, 1-based): chrX:48,688,902, C>A. VCF-style: chrX-48688902-C-A. GRCh37 (hg19) VCF-style: chrX-48547291-C-A.
Other names: short protein forms P392T.
Identifiers: ClinVar variation 844565 (VCV000844565.8), dbSNP rs1043747875, ClinGen allele CA329102334.

ClinVar aggregate classification (germline): Uncertain significance (1 of 4 stars; one submission).

Conditions:
X-linked severe congenital neutropenia (SCNX). Identifiers: Orphanet 86788, MedGen C1845987, MONDO:0010294, OMIM 300299.
Thrombocytopenia 1. Also called: X-linked thrombocytopenia with normal platelets; THROMBOCYTOPENIA, X-LINKED, 1; X-Linked Thrombocytopenia (XLT). Identifiers: Orphanet 268322, Orphanet 852, MedGen C1839163, MONDO:0010743, OMIM 313900.
Wiskott-Aldrich syndrome (WAS). Also called: WISKOTT-ALDRICH SYNDROME 1; Wiskott-aldrich syndrome, somatic; ALDRICH SYNDROME; IMMUNODEFICIENCY 2. Identifiers: Orphanet 906, MedGen C0043194, MONDO:0010518, OMIM 301000.

gnomAD v4.1: 10 of 1,166,664 alleles (0.00086%); highest among the groups gnomAD compares: Non-Finnish European, 0.001%; no homozygotes.

Submission:

Labcorp Genetics (formerly Invitae), Labcorp
Classification: Uncertain significance for Wiskott-Aldrich syndrome; X-linked severe congenital neutropenia; Thrombocytopenia 1. Last evaluated: 2023-12-01. Review status: criteria provided, single submitter. Criteria: Invitae Variant Classification Sherloc (09022015). Collection method: clinical testing. Allele origin: germline.
Comment: This sequence change replaces proline, which is neutral and non-polar, with threonine, which is neutral and polar, at codon 392 of the WAS protein (p.Pro392Thr). This variant is not present in population databases (gnomAD no frequency). This variant has not been reported in the literature in individuals affected with WAS-related conditions. ClinVar contains an entry for this variant (Variation ID: 844565). Advanced modeling of protein sequence and biophysical properties (such as structural, functional, and spatial information, amino acid conservation, physicochemical variation, residue mobility, and thermodynamic stability) performed at Invitae indicates that this missense variant is not expected to disrupt WAS protein function with a negative predictive value of 80%. In summary, the available evidence is currently insufficient to determine the role of this variant in disease. Therefore, it has been classified as a Variant of Uncertain Significance.